The following is an entry in ClinVar:

NM_001792.5(CDH2):c.1678G>A (p.Asp560Asn)

Gene: CDH2 (cadherin 2; minus strand). Cytogenetic location: 18q12.1.
Variant type: single nucleotide variant.
Coding change: c.1678G>A on transcript NM_001792.5 (MANE Select); coding-DNA position 1678, G replaced by A.
Protein change: p.Asp560Asn; replaces aspartic acid 560 with asparagine.
Molecular consequence: missense variant.
Genome position (GRCh38, 1-based): chr18:27,988,587, C>T on the plus strand (G>A on the coding strand, the complement: CDH2 is on the minus strand). VCF-style: chr18-27988587-C-T. GRCh37 (hg19) VCF-style: chr18-25568551-C-T.
Other names: c.1678G>A (NM_001792.3); c.1585G>A, p.Asp529Asn (NM_001308176.2); short protein forms D529N, D560N.
Identifiers: ClinVar variation 3000850 (VCV003000850.4), dbSNP rs201850079, ClinGen allele CA297682712.

ClinVar aggregate classification (germline): Uncertain significance. Review status: criteria provided, multiple submitters, no conflicts (2 of 4 stars). 2 submissions from 2 submitters: Uncertain significance (2). Last evaluated 2025-04-09.

Conditions:
Inborn genetic diseases. Identifiers: MedGen C0950123, MeSH D030342.

Allele frequency attached by ClinVar (database versions not stated): gnomAD exomes below 0.00001; gnomAD 0.00001.
gnomAD v4.1: 2 of 1,611,298 alleles (0.00012%); highest among the groups gnomAD compares: Middle Eastern, 0.016%; no homozygotes.

Submissions (2):

Ambry Genetics
Classification: Uncertain significance for Inborn genetic diseases. Last evaluated: 2025-04-09. Review status: criteria provided, single submitter. Criteria: Ambry Variant Classification Scheme 2023. Collection method: clinical testing. Allele origin: germline.

Labcorp Genetics (formerly Invitae), Labcorp
Classification: Uncertain significance. Last evaluated: 2023-11-01. Review status: criteria provided, single submitter. Criteria: Invitae Variant Classification Sherloc (09022015). Collection method: clinical testing. Allele origin: germline.
Comment: This sequence change replaces aspartic acid, which is acidic and polar, with asparagine, which is neutral and polar, at codon 560 of the CDH2 protein (p.Asp560Asn). This variant is not present in population databases (gnomAD no frequency). This variant has not been reported in the literature in individuals affected with CDH2-related conditions. An algorithm developed to predict the effect of missense changes on protein structure and function (PolyPhen-2) suggests that this variant is likely to be disruptive. In summary, the available evidence is currently insufficient to determine the role of this variant in disease. Therefore, it has been classified as a Variant of Uncertain Significance.